The following is an entry in ClinVar:

ClinVar aggregate classification (germline): Pathogenic/Likely pathogenic. Review status: criteria provided, multiple submitters, no conflicts (2 of 4 stars). 2 submissions from 2 submitters: Pathogenic (1); Likely pathogenic (1). Last evaluated 2025-01-31.

Conditions:
Hereditary cancer-predisposing syndrome. Also called: Tumor predisposition; Hereditary neoplastic syndrome; Neoplastic Syndromes, Hereditary; Hereditary Cancer Syndrome. Identifiers: Orphanet 140162, MedGen C0027672, MeSH D009386, MONDO:0015356.
Breast-ovarian cancer, familial, susceptibility to, 3. Also called: RAD51C-Related Breast/Ovarian Cancer. Identifiers: Orphanet 145, MedGen C3150659, MONDO:0013253, OMIM 613399.

Submissions (2):

Myriad Genetics, Inc.
Classification: Pathogenic for Breast-ovarian cancer, familial, susceptibility to, 3. Last evaluated: 2025-01-31. Review status: criteria provided, single submitter. Criteria: Myriad Autosomal Dominant, Autosomal Recessive and X-Linked Classification Criteria (2023). Collection method: clinical testing. Allele origin: unknown.
Comment: This variant is considered pathogenic. This variant creates a termination codon and is predicted to result in premature protein truncation.

Ambry Genetics
Classification: Likely pathogenic for Hereditary cancer-predisposing syndrome. Last evaluated: 2021-10-29. Review status: criteria provided, single submitter. Criteria: Ambry Variant Classification Scheme 2023. Collection method: clinical testing. Allele origin: germline.
Comment: The c.1004_1005delGCinsAA variant (also known as p.C335*), located in coding exon 8 of the RAD51C gene, results from an in-frame deletion of GC and insertion of AA at nucleotide positions 1004 to 1005. This changes the amino acid from a cysteine to a stop codon within coding exon 8. This alteration occurs at the 3' terminus of theRAD51C gene, is not expected to trigger nonsense-mediated mRNA decay, and only impacts the last 42 amino acids of the protein. However, premature stop codons are typically deleterious in nature and the impacted region is critical for protein function (Ambry internal data). This variant is considered to be rare based on population cohorts in the Genome Aggregation Database (gnomAD). Based on the majority of available evidence to date, this variant is likely to be pathogenic.

NM_058216.3(RAD51C):c.1004_1005delinsAA (p.Cys335Ter)

Gene: RAD51C (RAD51 paralog C; plus strand). Cytogenetic location: 17q22.
Variant type: Indel.
Coding change: c.1004_1005delinsAA on transcript NM_058216.3 (MANE Select); coding-DNA positions 1004 to 1005, GC replaced by AA.
Protein change: p.Cys335Ter; replaces cysteine 335 with a stop codon.
Molecular consequence: nonsense. On other transcripts: non-coding transcript variant (1).
Genome position (GRCh38, 1-based): chr17:58,732,522-58,732,523, GC replaced by AA. VCF-style: chr17-58732522-GC-AA. GRCh37 (hg19) VCF-style: chr17-56809883-GC-AA.
Other names: short protein forms C335*.
Identifiers: ClinVar variation 818248 (VCV000818248.5), dbSNP rs1598535096, ClinGen allele CA915950646.